The following is an entry in ClinVar:

ClinVar aggregate classification (germline): Uncertain significance (1 of 4 stars; one submission).

Allele frequency attached by ClinVar (database versions not stated): gnomAD exomes 0.00001; ExAC 0.00002; ESP Exome Variant Server 0.00008.
gnomAD v4.1: 3 of 1,613,998 alleles (0.00019%); highest among the groups gnomAD compares: Admixed American, 0.0033%; no homozygotes.

Submission:

Labcorp Genetics (formerly Invitae), Labcorp
Classification: Uncertain significance. Last evaluated: 2023-11-24. Review status: criteria provided, single submitter. Criteria: Invitae Variant Classification Sherloc (09022015). Collection method: clinical testing. Allele origin: germline.
Comment: This sequence change replaces glutamine, which is neutral and polar, with histidine, which is basic and polar, at codon 753 of the ASXL2 protein (p.Gln753His). This variant is present in population databases (rs372739742, gnomAD 0.006%). This variant has not been reported in the literature in individuals affected with ASXL2-related conditions. ClinVar contains an entry for this variant (Variation ID: 1346258). Advanced modeling of protein sequence and biophysical properties (such as structural, functional, and spatial information, amino acid conservation, physicochemical variation, residue mobility, and thermodynamic stability) performed at Invitae indicates that this missense variant is not expected to disrupt ASXL2 protein function with a negative predictive value of 80%. In summary, the available evidence is currently insufficient to determine the role of this variant in disease. Therefore, it has been classified as a Variant of Uncertain Significance.

NM_018263.6(ASXL2):c.2259G>T (p.Gln753His)

Gene: ASXL2 (ASXL transcriptional regulator 2; minus strand). Cytogenetic location: 2p23.3.
Variant type: single nucleotide variant.
Coding change: c.2259G>T on transcript NM_018263.6 (MANE Select); coding-DNA position 2259, G replaced by T.
Protein change: p.Gln753His; replaces glutamine 753 with histidine.
Molecular consequence: missense variant.
Genome position (GRCh38, 1-based): chr2:25,744,078, C>A on the plus strand (G>T on the coding strand, the complement: ASXL2 is on the minus strand). VCF-style: chr2-25744078-C-A. GRCh37 (hg19) VCF-style: chr2-25966947-C-A.
Other names: c.2085G>T, p.Gln695His (NM_001369346.1); c.1479G>T, p.Gln493His (NM_001369347.1); short protein forms Q753H, Q493H, Q695H.
Identifiers: ClinVar variation 1346258 (VCV001346258.8), dbSNP rs372739742, ClinGen allele CA1557672.
Genomic context (GRCh38, chr2:25,744,078, plus strand): 5'-TAGTTGTGCTCCAGAGACACTATGAGGCTGTGCCTGGCTTGGGGTGGTCTTGGTCTCAGA[C>A]TGGGGCTGAGTCTCTGGACCACAGGGTAAAAGCTCTCTCGTACCTCCCCTGCTTCCAGTT-3'
Protein context (NP_060733.4, residues 743-763): LLPCGPETQP[Gln753His]SETKTTPSQA